The following is an entry in ClinVar:

NM_001375524.1(TRRAP):c.4465G>A (p.Asp1489Asn)

Gene: TRRAP (transformation/transcription domain associated protein; plus strand). Cytogenetic location: 7q22.1.
Variant type: single nucleotide variant.
Coding change: c.4465G>A on transcript NM_001375524.1 (MANE Select); coding-DNA position 4465, G replaced by A.
Protein change: p.Asp1489Asn; replaces aspartic acid 1489 with asparagine.
Molecular consequence: missense variant.
Genome position (GRCh38, 1-based): chr7:98,943,009, G>A. VCF-style: chr7-98943009-G-A. GRCh37 (hg19) VCF-style: chr7-98540632-G-A.
Other names: c.4465G>A, p.Asp1489Asn (NM_001244580.2, NM_003496.4); short protein forms D1489N.
Identifiers: ClinVar variation 4084047 (VCV004084047.8).

ClinVar aggregate classification (germline): Likely benign (1 of 4 stars; one submission).

Submission:

CeGaT Center for Human Genetics Tuebingen
Classification: Likely benign. Last evaluated: 2025-06-01. Review status: criteria provided, single submitter. Criteria: CeGaT Center For Human Genetics Tuebingen Variant Classification Criteria Version 2. Collection method: clinical testing. Allele origin: germline. Affected: yes. Observed: 1 variant allele.
Comment: TRRAP: PP2, BS2